The following is an entry in ClinVar:

NM_001379200.1(TBX1):c.1456A>C (p.Asn486His)

Gene: TBX1 (T-box transcription factor 1; plus strand). Cytogenetic location: 22q11.21.
Variant type: single nucleotide variant.
Coding change: c.1456A>C on transcript NM_001379200.1 (MANE Select); coding-DNA position 1456, A replaced by C.
Protein change: p.Asn486His; replaces asparagine 486 with histidine.
Molecular consequence: missense variant. On other transcripts: intron variant (2).
Genome position (GRCh38, 1-based): chr22:19,766,808, A>C. VCF-style: chr22-19766808-A-C. GRCh37 (hg19) VCF-style: chr22-19754331-A-C.
Other names: c.1429A>C, p.Asn477His (NM_080647.1); c.1009+806A>C (NM_005992.1, NM_080646.2); short protein forms N486H, N477H.
Identifiers: ClinVar variation 4841486 (VCV004841486.1).

ClinVar aggregate classification (germline): Uncertain significance (1 of 4 stars; one submission).

Conditions:
Cardiovascular phenotype. Identifiers: MedGen CN230736.

Submission:

Ambry Genetics
Classification: Uncertain significance for Cardiovascular phenotype. Last evaluated: 2025-12-19. Review status: criteria provided, single submitter. Criteria: Ambry Variant Classification Scheme 2023. Collection method: clinical testing. Allele origin: germline.
Comment: The p.N477H variant (also known as c.1429A>C), located in coding exon 8 of the TBX1 gene, results from an A to C substitution at nucleotide position 1429. The asparagine at codon 477 is replaced by histidine, an amino acid with similar properties. This amino acid position is conserved. In addition, this alteration is predicted to be tolerated by in silico analysis. Based on the available evidence, the clinical significance of this variant remains unclear.